The following is an entry in ClinVar:

ClinVar aggregate classification (germline): Uncertain significance (1 of 4 stars; one submission).

Conditions:
Cardiovascular phenotype. Identifiers: MedGen CN230736.

Allele frequency attached by ClinVar (database versions not stated): gnomAD exomes below 0.00001; TOPMed below 0.00001; ExAC 0.00001; gnomAD 0.00001.
gnomAD v4.1: 6 of 1,613,944 alleles (0.00037%); no homozygotes.

Submission:

Ambry Genetics
Classification: Uncertain significance for Cardiovascular phenotype. Last evaluated: 2018-11-23. Review status: criteria provided, single submitter. Criteria: Ambry Variant Classification Scheme 2023. Collection method: clinical testing. Allele origin: germline.
Comment: The p.S1919Y variant (also known as c.5756C>A), located in coding exon 38 of the ANK2 gene, results from a C to A substitution at nucleotide position 5756. The serine at codon 1919 is replaced by tyrosine, an amino acid with dissimilar properties. This amino acid position is well conserved in available vertebrate species. In addition, this alteration is predicted to be tolerated by in silico analysis. Since supporting evidence is limited at this time, the clinical significance of this alteration remains unclear.

NM_001148.6(ANK2):c.5756C>A (p.Ser1919Tyr)

Genes: ANK2 (ankyrin 2; plus strand), LOC126807136 (MED14-independent group 3 enhancer GRCh37_chr4:114274931-114276130; plus strand). Cytogenetic location: 4q26.
Variant type: single nucleotide variant.
Coding change: c.5756C>A on transcript NM_001148.6 (MANE Select); coding-DNA position 5756, C replaced by A.
Protein change: p.Ser1919Tyr; replaces serine 1919 with tyrosine.
Molecular consequence: missense variant. On other transcripts: intron variant (68).
Genome position (GRCh38, 1-based): chr4:113,354,374, C>A. VCF-style: chr4-113354374-C-A. GRCh37 (hg19) VCF-style: chr4-114275530-C-A.
Other names: c.4264+4125C>A (NM_001354262.2, NM_001354275.2, NM_001354245.2); c.4201+4125C>A (NM_001354253.2, NM_001354270.2); c.4165+4125C>A (NM_001354257.2, NM_001386156.1); c.4240+4125C>A (NM_001354249.2, NM_001354266.2, NM_001354276.2 and 2 more transcripts); c.4207+4125C>A (NM_001386146.1, NM_001386150.1, NM_001386149.1 and 1 more transcripts); c.4192+4125C>A (NM_001354274.2, NM_001386154.1); c.4141+4125C>A (NM_001386151.1, NM_001354260.2, NM_001354271.2); c.4042+4125C>A (NM_001386157.1, NM_001354277.2); and 35 more; short protein forms S1841Y, S1958Y, S1919Y, S1966Y, S719Y.
Identifiers: ClinVar variation 1749449 (VCV001749449.2), dbSNP rs772992761, ClinGen allele CA3051283.
Genomic context (GRCh38, chr4:113,354,374, plus strand): 5'-AAAGACACCCACCTGTTTCGCCTTCAGGCAAAACAGACAAACGTCCACCTGTATCGCCCT[C>A]CGGGAGGACAGAAAAACACCCGCCAGTATCGCCTGGGAGAACAGAAAAACGCTTGCCTGT-3'
Protein context (NP_001139.3, residues 1909-1929): KTDKRPPVSP[Ser1919Tyr]GRTEKHPPVS